The following is an entry in ClinVar:

ClinVar aggregate classification (germline): Uncertain significance (1 of 4 stars; one submission).

Conditions:
Distal hereditary motor neuropathy type 2. Identifiers: Orphanet 139525, MedGen C3711384, MeSH C580044, MONDO:0015352.

Submission:

Labcorp Genetics (formerly Invitae), Labcorp
Classification: Uncertain significance for Distal hereditary motor neuropathy type 2. Last evaluated: 2024-10-02. Review status: criteria provided, single submitter. Criteria: Invitae Variant Classification Sherloc (09022015). Collection method: clinical testing. Allele origin: germline.
Comment: This sequence change replaces arginine, which is basic and polar, with serine, which is neutral and polar, at codon 651 of the FBXO38 protein (p.Arg651Ser). This variant is not present in population databases (gnomAD no frequency). This variant has not been reported in the literature in individuals affected with FBXO38-related conditions. ClinVar contains an entry for this variant (Variation ID: 1417148). Invitae Evidence Modeling of protein sequence and biophysical properties (such as structural, functional, and spatial information, amino acid conservation, physicochemical variation, residue mobility, and thermodynamic stability) indicates that this missense variant is not expected to disrupt FBXO38 protein function with a negative predictive value of 80%. In summary, the available evidence is currently insufficient to determine the role of this variant in disease. Therefore, it has been classified as a Variant of Uncertain Significance.

NM_205836.3(FBXO38):c.1953G>C (p.Arg651Ser)

Gene: FBXO38 (F-box protein 38; plus strand). Cytogenetic location: 5q32.
Variant type: single nucleotide variant.
Coding change: c.1953G>C on transcript NM_205836.3 (MANE Select); coding-DNA position 1953, G replaced by C.
Protein change: p.Arg651Ser; replaces arginine 651 with serine.
Molecular consequence: missense variant. On other transcripts: intron variant (1).
Genome position (GRCh38, 1-based): chr5:148,427,247, G>C. VCF-style: chr5-148427247-G-C. GRCh37 (hg19) VCF-style: chr5-147806810-G-C.
Other names: c.1953G>C, p.Arg651Ser (NM_030793.5); c.1918+1546G>C (NM_001271723.2); short protein forms R651S.
Identifiers: ClinVar variation 1417148 (VCV001417148.8), dbSNP rs2113627223, ClinGen allele CA361656220.